The following is an entry in ClinVar:

ClinVar aggregate classification (germline): Uncertain significance (1 of 4 stars; one submission).

Conditions:
Fanconi anemia complementation group J. Also called: BRIP1-Related Fanconi Anemia. Identifiers: Orphanet 84, MedGen C1836860, MONDO:0012187, OMIM 609054.
Familial cancer of breast. Also called: BREAST CANCER, FAMILIAL; Hereditary breast cancer; hereditary breast carcinoma. Identifiers: Orphanet 227535, MedGen C0346153, MONDO:0016419, OMIM 114480. Disease mechanism: loss of function.

Submission:

Labcorp Genetics (formerly Invitae), Labcorp
Classification: Uncertain significance for Familial cancer of breast; Fanconi anemia complementation group J. Last evaluated: 2025-11-05. Review status: criteria provided, single submitter. Criteria: Invitae Variant Classification Sherloc (09022015). Collection method: clinical testing. Allele origin: germline.
Comment: This sequence change falls in intron 3 of the BRIP1 gene. It does not directly change the encoded amino acid sequence of the BRIP1 protein. It affects a nucleotide within the consensus splice site. This variant is not present in population databases (gnomAD no frequency). This variant has not been reported in the literature in individuals affected with BRIP1-related conditions. Variants that disrupt the consensus splice site are a relatively common cause of aberrant splicing (PMID: 17576681, 9536098). Studies have shown that this variant is associated with inconclusive levels of altered splicing (internal data). This variant disrupts the c.205+5G nucleotide in the BRIP1 gene. Other variant(s) that disrupt this nucleotide have been determined to be pathogenic (PMID: 16116423). This suggests that this nucleotide is clinically significant, and that variants that disrupt this position are likely to be disease-causing. In summary, the available evidence is currently insufficient to determine the role of this variant in disease. Therefore, it has been classified as a Variant of Uncertain Significance.

Literature cited by the submitters: PubMed 17576681; PubMed 9536098; PubMed 16116423.

NM_032043.3(BRIP1):c.205+5G>C

Gene: BRIP1 (BRCA1 interacting DNA helicase 1; minus strand). Cytogenetic location: 17q23.2.
Variant type: single nucleotide variant.
Coding change: c.205+5G>C on transcript NM_032043.3 (MANE Select); 5 bases into the intron after coding-DNA position 205, G replaced by C.
Molecular consequence: intron variant.
Genome position (GRCh38, 1-based): chr17:61,859,791, C>G on the plus strand (G>C on the coding strand, the complement: BRIP1 is on the minus strand). VCF-style: chr17-61859791-C-G. GRCh37 (hg19) VCF-style: chr17-59937152-C-G.
Identifiers: ClinVar variation 4786609 (VCV004786609.1).